The following is an entry in ClinVar:

ClinVar aggregate classification (germline): Likely benign (1 of 4 stars; one submission).

Conditions:
Combined immunodeficiency due to ZAP70 deficiency (IMD48). Also called: Immunodeficiency 48; ZAP70 Deficiency. Identifiers: Orphanet 911, MedGen C2931299, MONDO:0010023, OMIM 269840.

Allele frequency attached by ClinVar (database versions not stated): gnomAD 0.00003 and 0.00002; gnomAD exomes 0.00003; TOPMed 0.00002.
gnomAD v4.1: 47 of 1,540,832 alleles (0.0031%); highest among the groups gnomAD compares: Non-Finnish European, 0.0041%; no homozygotes.

Submission:

Labcorp Genetics (formerly Invitae), Labcorp
Classification: Likely benign for Combined immunodeficiency due to ZAP70 deficiency. Last evaluated: 2026-01-27. Review status: criteria provided, single submitter. Criteria: Invitae Variant Classification Sherloc (09022015). Collection method: clinical testing. Allele origin: germline.

NM_001079.4(ZAP70):c.342C>T (p.Val114=)

Gene: ZAP70 (zeta chain of T cell receptor associated protein kinase 70; plus strand). Cytogenetic location: 2q11.2.
Variant type: single nucleotide variant.
Coding change: c.342C>T on transcript NM_001079.4 (MANE Select); coding-DNA position 342, C replaced by T.
Protein change: p.Val114=; no amino-acid change (valine 114 retained).
Molecular consequence: synonymous variant.
Genome position (GRCh38, 1-based): chr2:97,724,378, C>T. VCF-style: chr2-97724378-C-T. GRCh37 (hg19) VCF-style: chr2-98340841-C-T.
Other names: c.342C>T, p.Val114= (NM_001378594.1).
Identifiers: ClinVar variation 1116490 (VCV001116490.11), dbSNP rs1008750552, ClinGen allele CA52553431.